The following is an entry in ClinVar:

ClinVar aggregate classification (germline): Uncertain significance. Review status: criteria provided, multiple submitters, no conflicts (2 of 4 stars). 2 submissions from 2 submitters: Uncertain significance (2). Last evaluated 2024-10-15.

Conditions:
Familial thoracic aortic aneurysm and aortic dissection (TAAD). Also called: Thoracic aortic aneurysms and dissections. Identifiers: Orphanet 91387, MedGen C4707243, MONDO:0019625.

Allele frequency attached by ClinVar (database versions not stated): TOPMed below 0.00001; gnomAD 0.00001.
gnomAD v4.1: 2 of 1,614,064 alleles (0.00012%); highest among the groups gnomAD compares: Non-Finnish European, 0.00017%; no homozygotes.

Submissions (2):

Color Diagnostics, LLC DBA Color Health
Classification: Uncertain significance for Familial thoracic aortic aneurysm and aortic dissection. Last evaluated: 2024-10-15. Review status: criteria provided, single submitter. Criteria: ACMG Guidelines, 2015. Collection method: clinical testing. Allele origin: germline.
Comment: This missense variant replaces serine with cysteine at codon 460 of the MYH11 protein. Computational prediction suggests that this variant may have deleterious impact on protein structure and function. To our knowledge, functional studies have not been reported for this variant. This variant has been reported in an infant affected with aortic aneurysm; this variant was also identified in an unaffected parent (PMID: 29907982). This variant has not been identified in the general population by the Genome Aggregation Database (gnomAD). The available evidence is insufficient to determine the role of this variant in disease conclusively. Therefore, this variant is classified as a Variant of Uncertain Significance.

All of Us Research Program, National Institutes of Health
Classification: Uncertain significance for Familial thoracic aortic aneurysm and aortic dissection. Last evaluated: 2023-05-31. Review status: criteria provided, single submitter. Criteria: ACMG Guidelines, 2015. Collection method: clinical testing. Allele origin: germline. Inheritance: Autosomal dominant inheritance. Observed: 1 variant allele, 1 heterozygote.
Comment: This study involves interpretation of variants in research participants for the purpose of population health screening. Participant phenotype was not available at the time of variant classification. Additional details can be found in publication PMID: 35346344, PMCID: PMC8962531

Literature cited by the submitters: PubMed 29907982 (cited by Color Diagnostics, LLC DBA Color Health).

NM_002474.3(MYH11):c.1358C>G (p.Ser453Cys)

Gene: MYH11 (myosin heavy chain 11; minus strand). Cytogenetic location: 16p13.11.
Variant type: single nucleotide variant.
Coding change: c.1358C>G on transcript NM_002474.3 (MANE Select); coding-DNA position 1358, C replaced by G.
Protein change: p.Ser453Cys; replaces serine 453 with cysteine.
Molecular consequence: missense variant.
Genome position (GRCh38, 1-based): chr16:15,759,619, G>C on the plus strand (C>G on the coding strand, the complement: MYH11 is on the minus strand). VCF-style: chr16-15759619-G-C. GRCh37 (hg19) VCF-style: chr16-15853476-G-C.
Other names: c.1379C>G, p.Ser460Cys (NM_001040113.2, NM_001040114.2); c.1358C>G, p.Ser453Cys (NM_022844.3); short protein forms S453C, S460C.
Identifiers: ClinVar variation 3071286 (VCV003071286.2), dbSNP rs1382664749, ClinGen allele CA394872374.